The following is an entry in ClinVar:

ClinVar aggregate classification (germline): Conflicting classifications of pathogenicity. Review status: criteria provided, conflicting classifications (1 of 4 stars). 3 submissions from 3 submitters: Uncertain significance (2); Likely benign (1). Last evaluated 2024-04-17.

Conditions:
Multiple system atrophy 1, susceptibility to. Also called: MSA1, SUSCEPTIBILITY TO. Identifiers: MedGen C3714927, MONDO:0020715, OMIM 146500.
Coenzyme Q10 deficiency, primary, 1. Also called: UBIQUINONE DEFICIENCY 1; COENZYME Q DEFICIENCY 1; CoQ DEFICIENCY 1. Identifiers: Orphanet 255249, MedGen C3551954, MONDO:0011829, OMIM 607426.
Inborn genetic diseases. Identifiers: MedGen C0950123, MeSH D030342.

Allele frequency attached by ClinVar (database versions not stated): TOPMed 0.00002; gnomAD 0.00005; gnomAD exomes 0.00006 and 0.00007; ExAC 0.00008; ESP Exome Variant Server 0.00008.
gnomAD v4.1: 91 of 1,554,158 alleles (0.0059%); highest among the groups gnomAD compares: South Asian, 0.019%; 1 homozygote.

Submissions (3):

Fulgent Genetics
Classification: Uncertain significance for Multiple system atrophy 1, susceptibility to; Coenzyme Q10 deficiency, primary, 1. Last evaluated: 2024-04-17. Review status: criteria provided, single submitter. Criteria: ACMG Guidelines, 2015. Collection method: clinical testing. Allele origin: germline.

Ambry Genetics
Classification: Likely benign for Inborn genetic diseases. Last evaluated: 2024-03-29. Review status: criteria provided, single submitter. Criteria: Ambry Variant Classification Scheme 2023. Collection method: clinical testing. Allele origin: germline.

Labcorp Genetics (formerly Invitae), Labcorp
Classification: Uncertain significance. Last evaluated: 2024-01-02. Review status: criteria provided, single submitter. Criteria: Invitae Variant Classification Sherloc (09022015). Collection method: clinical testing. Allele origin: germline.
Comment: This sequence change replaces proline, which is neutral and non-polar, with leucine, which is neutral and non-polar, at codon 327 of the COQ2 protein (p.Pro327Leu). This variant is present in population databases (rs374567167, gnomAD 0.03%). This variant has not been reported in the literature in individuals affected with COQ2-related conditions. ClinVar contains an entry for this variant (Variation ID: 1386267). Advanced modeling of protein sequence and biophysical properties (such as structural, functional, and spatial information, amino acid conservation, physicochemical variation, residue mobility, and thermodynamic stability) performed at Invitae indicates that this missense variant is not expected to disrupt COQ2 protein function with a negative predictive value of 80%. In summary, the available evidence is currently insufficient to determine the role of this variant in disease. Therefore, it has been classified as a Variant of Uncertain Significance.

NM_001358921.2(COQ2):c.830C>T (p.Pro277Leu)

Gene: COQ2 (coenzyme Q2, polyprenyltransferase; minus strand). Cytogenetic location: 4q21.23.
Variant type: single nucleotide variant.
Coding change: c.830C>T on transcript NM_001358921.2 (MANE Select); coding-DNA position 830, C replaced by T.
Protein change: p.Pro277Leu; replaces proline 277 with leucine.
Molecular consequence: missense variant.
Genome position (GRCh38, 1-based): chr4:83,267,707, G>A on the plus strand (C>T on the coding strand, the complement: COQ2 is on the minus strand). VCF-style: chr4-83267707-G-A. GRCh37 (hg19) VCF-style: chr4-84188860-G-A.
Other names: c.980C>T, p.Pro327Leu (NM_015697.9); c.980C>T (NM_015697.7); short protein forms P327L, P277L.
Identifiers: ClinVar variation 1386267 (VCV001386267.7), dbSNP rs374567167, ClinGen allele CA2988497.
Genomic context (GRCh38, chr4:83,267,707, plus strand): 5'-CTGTTCACACCCACTAGGCTCAGTGCCCCCAGCATTGCAACACTGAAGCCGCTGAGCCAC[G>A]GCTTGGTATTTTCTCCGAACCGCAGAGCCGTTGACTTAAGACCAATCAAAACATCATCTC-3'
Protein context (NP_001345850.1, residues 267-287): TALRFGENTK[Pro277Leu]WLSGFSVAML